The following is an entry in ClinVar:

ClinVar aggregate classification (germline): Pathogenic. Review status: criteria provided, multiple submitters, no conflicts (2 of 4 stars). 2 submissions from 2 submitters: Pathogenic (2). Last evaluated 2025-11-29.

Conditions:
Hyperekplexia 2 (HKPX2). Identifiers: Orphanet 3197, MedGen C3553291, MONDO:0013828, OMIM 614619.

gnomAD v4.1: 3 of 1,555,440 alleles (0.00019%); highest among the groups gnomAD compares: Non-Finnish European, 0.00018%; no homozygotes.

Submissions (2):

Labcorp Genetics (formerly Invitae), Labcorp
Classification: Pathogenic for Hyperekplexia 2. Last evaluated: 2025-11-29. Review status: criteria provided, single submitter. Criteria: Invitae Variant Classification Sherloc (09022015). Collection method: clinical testing. Allele origin: germline.
Comment: This sequence change affects an acceptor splice site in intron 4 of the GLRB gene. It is expected to disrupt RNA splicing. Variants that disrupt the donor or acceptor splice site typically lead to a loss of protein function (PMID: 16199547), and loss-of-function variants in GLRB are known to be pathogenic (PMID: 23182654, 23184146). This variant is not present in population databases (gnomAD no frequency). Disruption of this splice site has been observed in individuals with hyperekplexia (PMID: 22532536, 28173650). Algorithms developed to predict the effect of sequence changes on RNA splicing suggest that this variant may disrupt the consensus splice site. For these reasons, this variant has been classified as Pathogenic.

OLLIN Analises Genomicas, OLLIN
Classification: Pathogenic for Hyperekplexia 2. Last evaluated: 2025-11-17. Review status: criteria provided, single submitter. Criteria: ACMG Guidelines 2015 PMID 25741868. Collection method: clinical testing. Allele origin: germline. Affected: yes. Observed: 1 variant allele.
Comment: The variant located at the canonical splicing site (splice acceptor) (chr4:157136468G>A), situated in intron 4 (of 10 exons), is not reported in the gnomAD v4.1 non-UKB or ClinVar databases and was not found in the scientific literature. This variant alters the canonical splicing site, potentially resulting in the production of a truncated protein, transcript degradation by NMD, or exon skipping. Based on currently available evidence, this variant has been classified as pathogenic (PVS1, PM2_P, PM3).

Literature cited by the submitters: PubMed 16199547 (cited by Labcorp Genetics (formerly Invitae), Labcorp); PubMed 23182654 (cited by Labcorp Genetics (formerly Invitae), Labcorp); PubMed 23184146 (cited by Labcorp Genetics (formerly Invitae), Labcorp); PubMed 22532536 (cited by Labcorp Genetics (formerly Invitae), Labcorp); PubMed 28173650 (cited by Labcorp Genetics (formerly Invitae), Labcorp).

NM_000824.5(GLRB):c.298-1G>A

Gene: GLRB (glycine receptor beta; plus strand). Cytogenetic location: 4q32.1.
Variant type: single nucleotide variant.
Coding change: c.298-1G>A on transcript NM_000824.5 (MANE Select); the canonical splice acceptor site of the intron before coding-DNA position 298, G replaced by A.
Molecular consequence: splice acceptor variant.
Genome position (GRCh38, 1-based): chr4:157,136,468, G>A. VCF-style: chr4-157136468-G-A. GRCh37 (hg19) VCF-style: chr4-158057620-G-A.
Other names: c.4-1G>A (NM_001440545.1); c.298-1G>A (NM_001166061.2, NM_001166060.2).
Identifiers: ClinVar variation 4747421 (VCV004747421.2).